The following is an entry in ClinVar:

ClinVar aggregate classification (germline): Uncertain significance (1 of 4 stars; one submission).

Submission:

Ambry Genetics
Classification: Uncertain significance. Last evaluated: 2022-12-16. Review status: criteria provided, single submitter. Criteria: Ambry Variant Classification Scheme 2023. Collection method: clinical testing. Allele origin: germline.
Comment: The p.R2360T variant (also known as c.7079G>C), located in coding exon 25 of the POLQ gene, results from a G to C substitution at nucleotide position 7079. The arginine at codon 2360 is replaced by threonine, an amino acid with similar properties. This amino acid position is conserved. In addition, the in silico prediction for this alteration is inconclusive. Since supporting evidence is limited at this time, the clinical significance of this alteration remains unclear.

NM_199420.4(POLQ):c.7079G>C (p.Arg2360Thr)

Gene: POLQ (DNA polymerase theta; minus strand). Cytogenetic location: 3q13.33.
Variant type: single nucleotide variant.
Coding change: c.7079G>C on transcript NM_199420.4 (MANE Select); coding-DNA position 7079, G replaced by C.
Protein change: p.Arg2360Thr; replaces arginine 2360 with threonine.
Molecular consequence: missense variant.
Genome position (GRCh38, 1-based): chr3:121,460,123, C>G on the plus strand (G>C on the coding strand, the complement: POLQ is on the minus strand). VCF-style: chr3-121460123-C-G. GRCh37 (hg19) VCF-style: chr3-121178970-C-G.
Other names: short protein forms R2360T.
Identifiers: ClinVar variation 2448939 (VCV002448939.2), dbSNP rs2546764723, ClinGen allele CA354107069.